The following is an entry in ClinVar:

ClinVar aggregate classification (germline): Pathogenic (1 of 4 stars; one submission).

gnomAD v4.1: 15 of 1,595,436 alleles (0.00094%); highest among the groups gnomAD compares: South Asian, 0.0023%; no homozygotes.

Submission:

Labcorp Genetics (formerly Invitae), Labcorp
Classification: Pathogenic. Last evaluated: 2025-11-15. Review status: criteria provided, single submitter. Criteria: Invitae Variant Classification Sherloc (09022015). Collection method: clinical testing. Allele origin: germline.
Comment: This sequence change creates a premature translational stop signal (p.Arg103*) in the TOP3A gene. It is expected to result in an absent or disrupted protein product. Loss-of-function variants in TOP3A are known to be pathogenic (PMID: 30057030). This variant is present in population databases (no rsID available, gnomAD 0.007%). This variant has not been reported in the literature in individuals affected with TOP3A-related conditions. Algorithms developed to predict the effect of sequence changes on RNA splicing suggest that this variant may disrupt the consensus splice site. For these reasons, this variant has been classified as Pathogenic.

Literature cited by the submitters: PubMed 30057030.

NM_004618.5(TOP3A):c.307C>T (p.Arg103Ter)

Gene: TOP3A (DNA topoisomerase III alpha; minus strand). Cytogenetic location: 17p11.2.
Variant type: single nucleotide variant.
Coding change: c.307C>T on transcript NM_004618.5 (MANE Select); coding-DNA position 307, C replaced by T.
Protein change: p.Arg103Ter; replaces arginine 103 with a stop codon.
Molecular consequence: nonsense. On other transcripts: intron variant (1).
Genome position (GRCh38, 1-based): chr17:18,308,358, G>A on the plus strand (C>T on the coding strand, the complement: TOP3A is on the minus strand). VCF-style: chr17-18308358-G-A. GRCh37 (hg19) VCF-style: chr17-18211672-G-A.
Other names: c.29+524C>T (NM_001320759.2); short protein forms R103*.
Identifiers: ClinVar variation 4695013 (VCV004695013.1).
Genomic context (GRCh38, chr17:18,308,358, plus strand): 5'-AATTTCACAACTTACTATAATCTGAAAGTCCTTCCCTTGAGAATTGTACTGACCATTTTC[G>A]AAACTGCATCTGGAAATCATGAGCCAGTAAATGTCCAGAAACTGAAGTCATTACCATGGT-3'